The following is an entry in ClinVar:

NM_173598.6(KSR2):c.2739T>A (p.Phe913Leu)

Gene: KSR2 (kinase suppressor of ras 2; minus strand). Cytogenetic location: 12q24.22.
Variant type: single nucleotide variant.
Coding change: c.2739T>A on transcript NM_173598.6 (MANE Select); coding-DNA position 2739, T replaced by A.
Protein change: p.Phe913Leu; replaces phenylalanine 913 with leucine.
Molecular consequence: missense variant.
Genome position (GRCh38, 1-based): chr12:117,469,769, A>T on the plus strand (T>A on the coding strand, the complement: KSR2 is on the minus strand). VCF-style: chr12-117469769-A-T. GRCh37 (hg19) VCF-style: chr12-117907574-A-T.
Other names: short protein forms F913L.
Identifiers: ClinVar variation 4990989 (VCV004990989.1).

ClinVar aggregate classification (germline): Uncertain significance (1 of 4 stars; one submission).

Conditions:
KSR2-related disorder. Also called: KSR2-related condition.

Submission:

PreventionGenetics, part of Exact Sciences
Classification: Uncertain significance for KSR2-related condition. Last evaluated: 2026-09-15. Review status: criteria provided, single submitter. Criteria: ACMG Guidelines, 2015. Collection method: clinical testing. Allele origin: germline.
Comment: The KSR2 c.2652T>A variant is predicted to result in the amino acid substitution p.Phe884Leu. To our knowledge, this variant has not been reported in the literature or in a large population database (gnomAD), indicating this variant is rare. At this time, the clinical significance of this variant is uncertain due to the absence of conclusive functional and genetic evidence.